The following is an entry in ClinVar:

ClinVar aggregate classification (germline): Uncertain significance (1 of 4 stars; one submission).

Conditions:
RASopathy. Also called: rasopathies; Noonan spectrum disorder. Identifiers: Orphanet 536391, MedGen C5555857, MONDO:0021060.

Submission:

Labcorp Genetics (formerly Invitae), Labcorp
Classification: Uncertain significance for RASopathy. Last evaluated: 2025-07-16. Review status: criteria provided, single submitter. Criteria: Invitae Variant Classification Sherloc (09022015). Collection method: clinical testing. Allele origin: germline.
Comment: This sequence change replaces alanine, which is neutral and non-polar, with glycine, which is neutral and non-polar, at codon 11 of the NRAS protein (p.Ala11Gly). This variant is not present in population databases (gnomAD no frequency). This variant has not been reported in the literature in individuals affected with NRAS-related conditions. Invitae Evidence Modeling of protein sequence and biophysical properties (such as structural, functional, and spatial information, amino acid conservation, physicochemical variation, residue mobility, and thermodynamic stability) indicates that this missense variant is not expected to disrupt NRAS protein function with a negative predictive value of 95%. In summary, the available evidence is currently insufficient to determine the role of this variant in disease. Therefore, it has been classified as a Variant of Uncertain Significance.

NM_002524.5(NRAS):c.32C>G (p.Ala11Gly)

Gene: NRAS (NRAS proto-oncogene, GTPase; minus strand). Cytogenetic location: 1p13.2.
Variant type: single nucleotide variant.
Coding change: c.32C>G on transcript NM_002524.5 (MANE Select); coding-DNA position 32, C replaced by G.
Protein change: p.Ala11Gly; replaces alanine 11 with glycine.
Molecular consequence: missense variant.
Genome position (GRCh38, 1-based): chr1:114,716,129, G>C on the plus strand (C>G on the coding strand, the complement: NRAS is on the minus strand). VCF-style: chr1-114716129-G-C. GRCh37 (hg19) VCF-style: chr1-115258750-G-C.
Other names: short protein forms A11G.
Identifiers: ClinVar variation 4799927 (VCV004799927.1).